The following is an entry in ClinVar:

ClinVar aggregate classification (germline): Uncertain significance. Review status: criteria provided, multiple submitters, no conflicts (2 of 4 stars). 2 submissions from 2 submitters: Uncertain significance (2). Last evaluated 2025-05-22.

Conditions:
Developmental and epileptic encephalopathy, 36 (DEE36). Also called: Epileptic encephalopathy, early infantile, 36; ALG13-CDG; Congenital disorder of glycosylation, type Is. Identifiers: Orphanet 324422, MedGen C4317295, MONDO:0010472, OMIM 300884.

Allele frequency attached by ClinVar (database versions not stated): gnomAD exomes below 0.00001 and 0.00001; gnomAD 0.00001; TOPMed 0.00002.
gnomAD v4.1: 3 of 1,208,819 alleles (0.00025%); highest among the groups gnomAD compares: Admixed American, 0.0044%; no homozygotes.

Submissions (2):

Labcorp Genetics (formerly Invitae), Labcorp
Classification: Uncertain significance for Developmental and epileptic encephalopathy, 36. Last evaluated: 2025-05-22. Review status: criteria provided, single submitter. Criteria: Invitae Variant Classification Sherloc (09022015). Collection method: clinical testing. Allele origin: germline.
Comment: This sequence change replaces valine, which is neutral and non-polar, with alanine, which is neutral and non-polar, at codon 548 of the ALG13 protein (p.Val548Ala). This variant is present in population databases (no rsID available, gnomAD 0.008%). This missense change has been observed in individual(s) with clinical features of ALG13-related conditions (internal data). ClinVar contains an entry for this variant (Variation ID: 859933). Invitae Evidence Modeling of protein sequence and biophysical properties (such as structural, functional, and spatial information, amino acid conservation, physicochemical variation, residue mobility, and thermodynamic stability) has been performed for this missense variant. However, the output from this modeling did not meet the statistical confidence thresholds required to predict the impact of this variant on ALG13 protein function. In summary, the available evidence is currently insufficient to determine the role of this variant in disease. Therefore, it has been classified as a Variant of Uncertain Significance.

Women's Health and Genetics/Laboratory Corporation of America, LabCorp
Classification: Uncertain significance. Last evaluated: 2023-10-11. Review status: criteria provided, single submitter. Criteria: LabCorp Variant Classification Summary - May 2015. Collection method: clinical testing. Allele origin: germline.
Comment: Variant summary: ALG13 c.1643T>C (p.Val548Ala) results in a non-conservative amino acid change in the encoded protein sequence. Three of four in-silico tools predict a damaging effect of the variant on protein function. The variant allele was found at a frequency of 1.1e-05 in 178869 control chromosomes. The available data on variant occurrences in the general population are insufficient to allow any conclusion about variant significance. To our knowledge, no occurrence of c.1643T>C in individuals affected with Epileptic Encephalopathy, Early Infantile, 36 and no experimental evidence demonstrating its impact on protein function have been reported. One submitter has cited clinical-significance assessments for this variant to ClinVar after 2014 and has classified the variant as uncertain significance. Based on the evidence outlined above, the variant was classified as uncertain significance.

NM_001099922.3(ALG13):c.1643T>C (p.Val548Ala)

Gene: ALG13 (ALG13 UDP-N-acetylglucosaminyltransferase subunit; plus strand). Cytogenetic location: Xq23.
Variant type: single nucleotide variant.
Coding change: c.1643T>C on transcript NM_001099922.3 (MANE Select); coding-DNA position 1643, T replaced by C.
Protein change: p.Val548Ala; replaces valine 548 with alanine.
Molecular consequence: missense variant. On other transcripts: non-coding transcript variant (1).
Genome position (GRCh38, 1-based): chrX:111,724,975, T>C. VCF-style: chrX-111724975-T-C. GRCh37 (hg19) VCF-style: chrX-110968203-T-C.
Other names: c.1331T>C, p.Val444Ala (NM_001257230.2, NM_001257234.2, NM_001257237.2); c.1409T>C, p.Val470Ala (NM_001257231.2); c.1643T>C, p.Val548Ala (NM_001324292.2); c.1157T>C, p.Val386Ala (NM_001324293.1); short protein forms V548A, V386A, V444A, V470A.
Identifiers: ClinVar variation 859933 (VCV000859933.9), dbSNP rs1238751751, ClinGen allele CA414252205.
Genomic context (GRCh38, chrX:111,724,975, plus strand): 5'-GATACCTTTAACTTTTAAGGCATGTTGTTCCACTGGCTAACTTAAAACCAGTTACCCAAG[T>C]GATGTCTGTTCCTGCCTGGAATGCTATGCCCAGTCGGAAAGGAAGAGGTTACCAGAAAAT-3'
Protein context (NP_001093392.1, residues 538-558): PLANLKPVTQ[Val548Ala]MSVPAWNAMP